The following is an entry in ClinVar:

ClinVar aggregate classification (germline): Uncertain significance (1 of 4 stars; one submission).

Conditions:
Early-infantile DEE. Also called: Ohtahara syndrome; Early infantile epileptic encephalopathy with suppression bursts; Early infantile epileptic encephalopathy. Identifiers: Orphanet 1934, MedGen C0393706, MONDO:0800491.

Submission:

Labcorp Genetics (formerly Invitae), Labcorp
Classification: Uncertain significance for Early-infantile DEE. Last evaluated: 2021-12-02. Review status: criteria provided, single submitter. Criteria: Invitae Variant Classification Sherloc (09022015). Collection method: clinical testing. Allele origin: germline.
Comment: In summary, the available evidence is currently insufficient to determine the role of this variant in disease. Therefore, it has been classified as a Variant of Uncertain Significance. This sequence change replaces arginine, which is basic and polar, with threonine, which is neutral and polar, at codon 498 of the SCN8A protein (p.Arg498Thr). This variant is not present in population databases (gnomAD no frequency). This variant has not been reported in the literature in individuals affected with SCN8A-related conditions. ClinVar contains an entry for this variant (Variation ID: 969509). Algorithms developed to predict the effect of missense changes on protein structure and function are either unavailable or do not agree on the potential impact of this missense change (SIFT: "Deleterious"; PolyPhen-2: "Benign"; Align-GVGD: "Class C0").

NM_001330260.2(SCN8A):c.1493G>C (p.Arg498Thr)

Gene: SCN8A (sodium voltage-gated channel alpha subunit 8; plus strand). Cytogenetic location: 12q13.13.
Variant type: single nucleotide variant.
Coding change: c.1493G>C on transcript NM_001330260.2 (MANE Select); coding-DNA position 1493, G replaced by C.
Protein change: p.Arg498Thr; replaces arginine 498 with threonine.
Molecular consequence: missense variant.
Genome position (GRCh38, 1-based): chr12:51,706,573, G>C. VCF-style: chr12-51706573-G-C. GRCh37 (hg19) VCF-style: chr12-52100357-G-C.
Other names: c.1493G>C, p.Arg498Thr (NM_001177984.3, NM_001369788.1, NM_014191.4); short protein forms R498T.
Identifiers: ClinVar variation 969509 (VCV000969509.9), dbSNP rs1941788258, ClinGen allele CA385228924.